The following is an entry in ClinVar:

NM_004589.4(SCO1):c.172C>T (p.Pro58Ser)

Genes: SCO1 (synthesis of cytochrome C oxidase 1; minus strand), LOC112529895 (Sharpr-MPRA regulatory region 5903; plus strand). Cytogenetic location: 17p13.1.
Variant type: single nucleotide variant.
Coding change: c.172C>T on transcript NM_004589.4 (MANE Select); coding-DNA position 172, C replaced by T.
Protein change: p.Pro58Ser; replaces proline 58 with serine.
Molecular consequence: missense variant.
Genome position (GRCh38, 1-based): chr17:10,697,336, G>A on the plus strand (C>T on the coding strand, the complement: SCO1 is on the minus strand). VCF-style: chr17-10697336-G-A. GRCh37 (hg19) VCF-style: chr17-10600653-G-A.
Other names: p.P58S:CCT>TCT; short protein forms P58S.
Identifiers: ClinVar variation 139080 (VCV000139080.22), dbSNP rs1802083, ClinGen allele CA293435.

ClinVar aggregate classification (germline): Benign/Likely benign. Review status: criteria provided, multiple submitters, no conflicts (2 of 4 stars). 6 submissions from 6 submitters: Benign (5); Likely benign (1). Last evaluated 2026-01-28.

Conditions:
Mitochondrial complex IV deficiency, nuclear type 4. Also called: Mitochondrial complex 4 deficiency, nuclear type 4. Identifiers: MedGen C5436683, MONDO:0033636, OMIM 619048.
Leigh syndrome (NULS). Also called: Leigh Disease; Subacute necrotizing encephalopathy; Necrotizing encephalopathy infantile subacute of Leigh; Leigh Syndrome (mtDNA deletion); Leigh's syndrome; LEIGH SYNDROME, NUCLEAR. Identifiers: Orphanet 506, MedGen C2931891, MONDO:0009723, OMIM 256000.

Allele frequency attached by ClinVar (database versions not stated): gnomAD exomes 0.00529 and 0.01179; ExAC 0.02835; gnomAD 0.05010 and 0.05390; ESP Exome Variant Server 0.05029; TOPMed 0.05891; 1000 Genomes Project 0.06170; 1000 Genomes Project 30x 0.06590.
gnomAD v4.1: 15,603 of 1,574,016 alleles (0.99%); highest among the groups gnomAD compares: African/African-American, 18%; 1,203 homozygotes.

Submissions (6):

Labcorp Genetics (formerly Invitae), Labcorp
Classification: Benign. Last evaluated: 2026-01-28. Review status: criteria provided, single submitter. Criteria: Invitae Variant Classification Sherloc (09022015). Collection method: clinical testing. Allele origin: germline.

ARUP Laboratories, Molecular Genetics and Genomics, ARUP Laboratories
Classification: Benign for Mitochondrial complex IV deficiency, nuclear type 4. Last evaluated: 2023-11-29. Review status: criteria provided, single submitter. Criteria: ARUP Molecular Germline Variant Investigation Process 2024. Collection method: clinical testing. Allele origin: germline.

Mayo Clinic Laboratories, Mayo Clinic
Classification: Benign. Last evaluated: 2019-01-21. Review status: criteria provided, single submitter. Criteria: ACMG Guidelines, 2015. Collection method: clinical testing. Allele origin: germline. Observed: 36 variant alleles.

Illumina Laboratory Services, Illumina
Classification: Benign for Leigh syndrome. Last evaluated: 2018-01-13. Review status: criteria provided, single submitter. Criteria: ICSL Variant Classification Criteria 13 December 2019. Collection method: clinical testing. Allele origin: germline.
Comment: This variant was observed in the ICSL laboratory as part of a predisposition screen in an ostensibly healthy population. It had not been previously curated by ICSL or reported in the Human Gene Mutation Database (HGMD: prior to June 1st, 2018), and was therefore a candidate for classification through an automated scoring system. Utilizing variant allele frequency, disease prevalence and penetrance estimates, and inheritance mode, an automated score was calculated to assess if this variant is too frequent to cause the disease. Based on the score and internal cut-off values, a variant classified as benign is not then subjected to further curation. The score for this variant resulted in a classification of benign for this disease.

GeneDx
Classification: Benign. Last evaluated: 2011-10-17. Review status: criteria provided, single submitter. Criteria: GeneDx Variant Classification (06012015). Collection method: clinical testing. Allele origin: germline. Affected: yes.
Comment: This variant is considered likely benign or benign based on one or more of the following criteria: it is a conservative change, it occurs at a poorly conserved position in the protein, it is predicted to be benign by multiple in silico algorithms, and/or has population frequency not consistent with disease.

Breakthrough Genomics
Classification: Likely benign. Review status: criteria provided, single submitter. Criteria: ACMG Guidelines, 2015. Collection method: not provided. Allele origin: germline. Inheritance: Autosomal recessive inheritance. Affected: yes.